The following is an entry in ClinVar:

ClinVar aggregate classification (germline): Likely benign. Review status: criteria provided, multiple submitters, no conflicts (2 of 4 stars). 2 submissions from 2 submitters: Likely benign (2). Last evaluated 2025-07-17.

Conditions:
TGFB1-related disorder. Also called: TGFB1-related condition.

Submissions (2):

PreventionGenetics, part of Exact Sciences
Classification: Likely benign for TGFB1-related condition. Last evaluated: 2025-07-17. Review status: criteria provided, single submitter. Criteria: ACMG Guidelines, 2015. Collection method: clinical testing. Allele origin: germline.
Comment: This variant is classified as likely benign based on ACMG/AMP sequence variant interpretation guidelines (Richards et al. 2015 PMID: 25741868, with internal and published modifications).

Labcorp Genetics (formerly Invitae), Labcorp
Classification: Likely benign. Last evaluated: 2024-10-11. Review status: criteria provided, single submitter. Criteria: Invitae Variant Classification Sherloc (09022015). Collection method: clinical testing. Allele origin: germline.

NM_000660.7(TGFB1):c.12C>T (p.Ser4=)

Gene: TGFB1 (transforming growth factor beta 1; minus strand). Cytogenetic location: 19q13.2.
Variant type: single nucleotide variant.
Coding change: c.12C>T on transcript NM_000660.7 (MANE Select); coding-DNA position 12, C replaced by T.
Protein change: p.Ser4=; no amino-acid change (serine 4 retained).
Molecular consequence: synonymous variant.
Genome position (GRCh38, 1-based): chr19:41,353,033, G>A on the plus strand (C>T on the coding strand, the complement: TGFB1 is on the minus strand). VCF-style: chr19-41353033-G-A. GRCh37 (hg19) VCF-style: chr19-41858938-G-A.
Other names: c.12C>T (NM_000660.6).
Identifiers: ClinVar variation 2785609 (VCV002785609.4), dbSNP rs201834171, ClinGen allele CA308518832.